The following is an entry in ClinVar:

NM_182961.4(SYNE1):c.23685C>A (p.Ser7895Arg)

Gene: SYNE1 (spectrin repeat containing nuclear envelope protein 1; minus strand). Cytogenetic location: 6q25.2.
Variant type: single nucleotide variant.
Coding change: c.23685C>A on transcript NM_182961.4 (MANE Select); coding-DNA position 23685, C replaced by A.
Protein change: p.Ser7895Arg; replaces serine 7895 with arginine.
Molecular consequence: missense variant.
Genome position (GRCh38, 1-based): chr6:152,164,268, G>T on the plus strand (C>A on the coding strand, the complement: SYNE1 is on the minus strand). VCF-style: chr6-152164268-G-T. GRCh37 (hg19) VCF-style: chr6-152485403-G-T.
Other names: c.291C>A, p.Ser97Arg (NM_001347701.2); c.150C>A, p.Ser50Arg (NM_001347702.2); c.23472C>A, p.Ser7824Arg (NM_033071.5); short protein forms S50R, S7895R, S7824R, S97R.
Identifiers: ClinVar variation 1377663 (VCV001377663.8), dbSNP rs192734406, ClinGen allele CA150185929.

ClinVar aggregate classification (germline): Uncertain significance (1 of 4 stars; one submission).

Conditions:
Emery-Dreifuss muscular dystrophy 4, autosomal dominant (EDMD4). Also called: EMERY-DREIFUSS MUSCULAR DYSTROPHY 4 WITH VARIABLE FEATURES. Identifiers: Orphanet 261, MedGen C2751807, MONDO:0013071, OMIM 612998.
Autosomal recessive ataxia, Beauce type. Also called: SYNE1-Related Autosomal Recessive Cerebellar Ataxia; Spinocerebellar ataxia, autosomal recessive 8; ATAXIA, RECESSIVE, OF BEAUCE; SYNE1 Deficiency. Identifiers: Orphanet 88644, MedGen C1853116, MONDO:0012549, OMIM 610743.

Allele frequency attached by ClinVar (database versions not stated): gnomAD exomes below 0.00001.

Submission:

Labcorp Genetics (formerly Invitae), Labcorp
Classification: Uncertain significance for Emery-Dreifuss muscular dystrophy 4, autosomal dominant; Autosomal recessive ataxia, Beauce type. Last evaluated: 2024-04-30. Review status: criteria provided, single submitter. Criteria: Invitae Variant Classification Sherloc (09022015). Collection method: clinical testing. Allele origin: germline.
Comment: This sequence change replaces serine, which is neutral and polar, with arginine, which is basic and polar, at codon 7824 of the SYNE1 protein (p.Ser7824Arg). This variant is present in population databases (no rsID available, gnomAD no frequency). This variant has not been reported in the literature in individuals affected with SYNE1-related conditions. ClinVar contains an entry for this variant (Variation ID: 1377663). An algorithm developed to predict the effect of missense changes on protein structure and function (PolyPhen-2) suggests that this variant is likely to be disruptive. In summary, the available evidence is currently insufficient to determine the role of this variant in disease. Therefore, it has been classified as a Variant of Uncertain Significance.